The following is an entry in ClinVar:

ClinVar aggregate classification (germline): Conflicting classifications of pathogenicity. Review status: criteria provided, conflicting classifications (1 of 4 stars). 3 submissions from 3 submitters: Uncertain significance (2); Likely benign (1). Last evaluated 2025-04-23.

Conditions:
Hereditary cancer-predisposing syndrome. Also called: Hereditary neoplastic syndrome; Neoplastic Syndromes, Hereditary; Tumor predisposition; Hereditary Cancer Syndrome. Identifiers: Orphanet 140162, MedGen C0027672, MeSH D009386, MONDO:0015356.

Submissions (3):

Ambry Genetics
Classification: Likely benign for Hereditary cancer-predisposing syndrome. Last evaluated: 2025-04-23. Review status: criteria provided, single submitter. Criteria: Ambry Variant Classification Scheme 2023. Collection method: clinical testing. Allele origin: germline.

Labcorp Genetics (formerly Invitae), Labcorp
Classification: Uncertain significance. Last evaluated: 2023-05-05. Review status: criteria provided, single submitter. Criteria: Invitae Variant Classification Sherloc (09022015). Collection method: clinical testing. Allele origin: germline.
Comment: This sequence change replaces glutamic acid, which is acidic and polar, with aspartic acid, which is acidic and polar, at codon 701 of the POLE protein (p.Glu701Asp). This variant is not present in population databases (gnomAD no frequency). This variant has not been reported in the literature in individuals affected with POLE-related conditions. ClinVar contains an entry for this variant (Variation ID: 1319847). Advanced modeling of protein sequence and biophysical properties (such as structural, functional, and spatial information, amino acid conservation, physicochemical variation, residue mobility, and thermodynamic stability) performed at Invitae indicates that this missense variant is not expected to disrupt POLE protein function. In summary, the available evidence is currently insufficient to determine the role of this variant in disease. Therefore, it has been classified as a Variant of Uncertain Significance.

Institute for Clinical Genetics, University Hospital TU Dresden, University Hospital TU Dresden
Classification: Uncertain significance. Last evaluated: 2021-11-03. Review status: criteria provided, single submitter. Criteria: ACMG Guidelines, 2015. Collection method: clinical testing. Allele origin: germline.

NM_006231.4(POLE):c.2103G>C (p.Glu701Asp)

Gene: POLE (DNA polymerase epsilon, catalytic subunit; minus strand). Cytogenetic location: 12q24.33.
Variant type: single nucleotide variant.
Coding change: c.2103G>C on transcript NM_006231.4 (MANE Select); coding-DNA position 2103, G replaced by C.
Protein change: p.Glu701Asp; replaces glutamic acid 701 with aspartic acid.
Molecular consequence: missense variant.
Genome position (GRCh38, 1-based): chr12:132,668,426, C>G on the plus strand (G>C on the coding strand, the complement: POLE is on the minus strand). VCF-style: chr12-132668426-C-G. GRCh37 (hg19) VCF-style: chr12-133245012-C-G.
Other names: short protein forms E701D.
Identifiers: ClinVar variation 1319847 (VCV001319847.8), dbSNP rs2135975361, ClinGen allele CA387353958.